The following is an entry in ClinVar:

ClinVar aggregate classification (germline): Benign/Likely benign. Review status: criteria provided, multiple submitters, no conflicts (2 of 4 stars). 8 submissions from 8 submitters: Benign (5); Likely benign (2). 1 of the submissions does not count toward it. Last evaluated 2026-09-01.

Conditions:
Generalized epilepsy-paroxysmal dyskinesia syndrome (PNKD3). Also called: Paroxysmal nonkinesigenic dyskinesia, 3, with or without generalized epilepsy; Generalized epilepsy and paroxysmal dyskinesia. Identifiers: Orphanet 79137, MedGen C5574945, MONDO:0012276, OMIM 609446.

Allele frequency attached by ClinVar (database versions not stated): 1000 Genomes Project 30x 0.00468; 1000 Genomes Project 0.00539; ExAC 0.00902; gnomAD 0.00902 and 0.00917; TOPMed 0.00922; gnomAD exomes 0.00963 and 0.01196; ESP Exome Variant Server 0.01084.
gnomAD v4.1: 18,851 of 1,614,062 alleles (1.2%); highest among the groups gnomAD compares: Non-Finnish European, 1.3%; 166 homozygotes.

Submissions (8):

CeGaT Center for Human Genetics Tuebingen
Classification: Benign. Last evaluated: 2026-09-01. Review status: criteria provided, single submitter. Criteria: CeGaT Center For Human Genetics Tuebingen Variant Classification Criteria Version 2. Collection method: clinical testing. Allele origin: germline. Affected: yes. Observed: 101 variant alleles.
Comment: KCNMA1: BP4, BP7, BS1, BS2

Labcorp Genetics (formerly Invitae), Labcorp
Classification: Benign for Generalized epilepsy-paroxysmal dyskinesia syndrome. Last evaluated: 2026-02-03. Review status: criteria provided, single submitter. Criteria: Invitae Variant Classification Sherloc (09022015). Collection method: clinical testing. Allele origin: germline.

Mayo Clinic Laboratories, Mayo Clinic
Classification: Benign. Last evaluated: 2022-10-07. Review status: criteria provided, single submitter. Criteria: ACMG Guidelines, 2015. Collection method: clinical testing. Allele origin: germline. Observed: 7 variant alleles.
Comment: BS1, BS2, BP4, BP7

GeneDx
Classification: Benign. Last evaluated: 2019-08-22. Review status: criteria provided, single submitter. Criteria: GeneDx Variant Classification Process June 2021. Collection method: clinical testing. Allele origin: germline. Affected: yes.

Athena Diagnostics
Classification: Benign. Last evaluated: 2018-12-27. Review status: criteria provided, single submitter. Criteria: Athena Diagnostics Criteria. Collection method: clinical testing. Allele origin: germline.

Illumina Laboratory Services, Illumina
Classification: Likely benign for Generalized epilepsy-paroxysmal dyskinesia syndrome. Last evaluated: 2018-01-12. Review status: criteria provided, single submitter. Criteria: ICSL Variant Classification Criteria 13 December 2019. Collection method: clinical testing. Allele origin: germline.
Comment: This variant was observed in the ICSL laboratory as part of a predisposition screen in an ostensibly healthy population. It had not been previously curated by ICSL or reported in the Human Gene Mutation Database (HGMD: prior to June 1st, 2018), and was therefore a candidate for classification through an automated scoring system. Utilizing variant allele frequency, disease prevalence and penetrance estimates, and inheritance mode, an automated score was calculated to assess if this variant is too frequent to cause the disease. Based on the score and internal cut-off values, a variant classified as likely benign is not then subjected to further curation. The score for this variant resulted in a classification of likely benign for this disease.

Breakthrough Genomics
Classification: Likely benign. Review status: criteria provided, single submitter. Criteria: ACMG Guidelines, 2015. Collection method: not provided. Allele origin: germline. Inheritance: Autosomal recessive inheritance. Affected: yes.

Genetic Services Laboratory, University of Chicago
Classification: Likely benign for AllHighlyPenetrant. Review status: no assertion criteria provided. Collection method: clinical testing. Allele origin: germline. Inheritance: Autosomal dominant inheritance. Not counted in ClinVar's aggregate classification.
Comment: Likely benign based on allele frequency in 1000 Genomes Project or ESP global frequency and its presence in a patient with a rare or unrelated disease phenotype. NOT Sanger confirmed.

NM_001161352.2(KCNMA1):c.2526C>T (p.Val842=)

Genes: KCNMA1 (potassium calcium-activated channel subfamily M alpha 1; minus strand), KCNMA1-AS1 (KCNMA1 antisense RNA 1; plus strand). Cytogenetic location: 10q22.3.
Variant type: single nucleotide variant.
Coding change: c.2526C>T on transcript NM_001161352.2 (MANE Select); coding-DNA position 2526, C replaced by T.
Protein change: p.Val842=; no amino-acid change (valine 842 retained).
Molecular consequence: synonymous variant.
Genome position (GRCh38, 1-based): chr10:76,949,325, G>A on the plus strand (C>T on the coding strand, the complement: KCNMA1 is on the minus strand). VCF-style: chr10-76949325-G-A. GRCh37 (hg19) VCF-style: chr10-78709083-G-A.
Other names: p.Val784=; c.2364C>T, p.Val788= (NM_001014797.3, NM_001322835.2, NM_001322837.2); c.2475C>T, p.Val825= (NM_001161353.2); c.2202C>T, p.Val734= (NM_001271518.2); c.2361C>T, p.Val787= (NM_001271519.2, NM_001322829.2, NM_001322836.2); c.2373C>T, p.Val791= (NM_001322830.2); c.2352C>T, p.Val784= (NM_001322832.2, NM_002247.4); c.1899C>T, p.Val633= (NM_001322838.2).
Identifiers: ClinVar variation 129324 (VCV000129324.54), dbSNP rs41274568, ClinGen allele CA153276.